The following is an entry in ClinVar:

ClinVar aggregate classification (germline): Pathogenic. Review status: criteria provided, multiple submitters, no conflicts (2 of 4 stars). 3 submissions from 3 submitters: Pathogenic (3). Last evaluated 2025-11-03.

Conditions:
PTCH1-related disorder. Also called: PTCH1-related disorders; PTCH1-related condition.
Gorlin syndrome. Also called: Nevoid Basal Cell Carcinoma Syndrome; Basal cell nevus syndrome. Identifiers: Orphanet 377, MedGen C0004779, MONDO:0007187.
Basal cell nevus syndrome 1 (BCNS1). Also called: GORLIN-GOLTZ SYNDROME; MULTIPLE BASAL CELL NEVI, ODONTOGENIC KERATOCYSTS, AND SKELETAL ANOMALIES. Identifiers: MedGen CN376810, MONDO:0958174, OMIM 109400.

Submissions (3):

Labcorp Genetics (formerly Invitae), Labcorp
Classification: Pathogenic for Gorlin syndrome. Last evaluated: 2025-11-03. Review status: criteria provided, single submitter. Criteria: Invitae Variant Classification Sherloc (09022015). Collection method: clinical testing. Allele origin: germline.
Comment: This sequence change creates a premature translational stop signal (p.Gln501*) in the PTCH1 gene. It is expected to result in an absent or disrupted protein product. Loss-of-function variants in PTCH1 are known to be pathogenic (PMID: 16301862, 16419085). This variant is not present in population databases (gnomAD no frequency). This premature translational stop signal has been observed in individual(s) with PTCH1-related conditions (PMID: 37283107). For these reasons, this variant has been classified as Pathogenic.

Institute for Genomic Medicine (IGM) Clinical Laboratory, Nationwide Children's Hospital
Classification: Pathogenic for Basal cell nevus syndrome 1. Last evaluated: 2024-07-12. Review status: criteria provided, single submitter. Criteria: ACMG Guidelines, 2015. Collection method: clinical testing. Allele origin: germline.
Comment: This variant is predicted to result in loss of function through nonsense-mediated decay of the encoded transcript or premature truncation of the encoded protein in a gene in which loss of function is a known mechanism of disease (ACMG/AMP: PVS1; PMIDs:19557015, 29575684, 29753700). This variant has been reported at an elevated frequency in affected individuals/in multiple affected individuals in the literature (ACMG/AMP: PS4_Supporting; PMID:37283107). This variant is absent from or present at an exceedingly low frequency in gnomAD, a large-scale control population database (ACMG/AMP: PM2).

Blueprint Genetics
Classification: Pathogenic for PTCH1-related disorders. Last evaluated: 2024-06-17. Review status: criteria provided, single submitter. Criteria: ACMG Guidelines, 2015. Collection method: clinical testing. Allele origin: germline. Affected: yes. Observed: 1 variant allele.

Literature cited by the submitters: PubMed 16301862 (cited by Labcorp Genetics (formerly Invitae), Labcorp); PubMed 16419085 (cited by Labcorp Genetics (formerly Invitae), Labcorp); PubMed 37283107 (cited by Labcorp Genetics (formerly Invitae), Labcorp and Institute for Genomic Medicine (IGM) Clinical Laboratory, Nationwide Children's Hospital); PubMed 19557015 (cited by Institute for Genomic Medicine (IGM) Clinical Laboratory, Nationwide Children's Hospital); PubMed 29575684 (cited by Institute for Genomic Medicine (IGM) Clinical Laboratory, Nationwide Children's Hospital); PubMed 29753700 (cited by Institute for Genomic Medicine (IGM) Clinical Laboratory, Nationwide Children's Hospital).

NM_000264.5(PTCH1):c.1501C>T (p.Gln501Ter)

Gene: PTCH1 (patched 1; minus strand). Cytogenetic location: 9q22.32.
Variant type: single nucleotide variant.
Coding change: c.1501C>T on transcript NM_000264.5 (MANE Select); coding-DNA position 1501, C replaced by T.
Protein change: p.Gln501Ter; replaces glutamine 501 with a stop codon.
Molecular consequence: nonsense. On other transcripts: non-coding transcript variant (1), intron variant (1).
Genome position (GRCh38, 1-based): chr9:95,477,549, G>A on the plus strand (C>T on the coding strand, the complement: PTCH1 is on the minus strand). VCF-style: chr9-95477549-G-A. GRCh37 (hg19) VCF-style: chr9-98239831-G-A.
Other names: c.1303C>T, p.Gln435Ter (NM_001083602.3); c.1498C>T, p.Gln500Ter (NM_001083603.3); c.1048C>T, p.Gln350Ter (NM_001083604.3, NM_001083605.3, NM_001083606.3 and 1 more transcripts); c.1347+506C>T (NM_001354918.2); short protein forms Q435*, Q501*, Q350*, Q500*.
Identifiers: ClinVar variation 4710755 (VCV004710755.2).